The following is an entry in ClinVar:

NM_006303.4(AIMP2):c.861G>C (p.Gln287His)

Genes: AIMP2 (aminoacyl tRNA synthetase complex interacting multifunctional protein 2; plus strand), EIF2AK1 (eukaryotic translation initiation factor 2 alpha kinase 1; minus strand). Cytogenetic location: 7p22.1.
Variant type: single nucleotide variant.
Coding change: c.861G>C on transcript NM_006303.4 (MANE Select); coding-DNA position 861, G replaced by C.
Protein change: p.Gln287His; replaces glutamine 287 with histidine.
Molecular consequence: missense variant. On other transcripts: 3 prime UTR variant (2).
Genome position (GRCh38, 1-based): chr7:6,023,589, G>C. VCF-style: chr7-6023589-G-C. GRCh37 (hg19) VCF-style: chr7-6063220-G-C.
Other names: c.*1084C>G (NM_001134335.2, NM_014413.4); c.741G>C, p.Gln247His (NM_001326606.2); c.654G>C, p.Gln218His (NM_001326607.2); c.627G>C, p.Gln209His (NM_001326609.2, NM_001326610.2, NM_001326611.3); c.774G>C, p.Gln258His (NM_001362785.2); c.729G>C, p.Gln243His (NM_001362787.2); short protein forms Q209H, Q247H, Q243H, Q218H, Q258H, Q287H.
Identifiers: ClinVar variation 2160583 (VCV002160583.4), dbSNP rs189587013, ClinGen allele CA4150499.

ClinVar aggregate classification (germline): Uncertain significance (1 of 4 stars; one submission).

Allele frequency attached by ClinVar (database versions not stated): gnomAD exomes 0.00001; TOPMed 0.00002; gnomAD 0.00003; ExAC 0.00010; 1000 Genomes Project 0.00020; 1000 Genomes Project 30x 0.00031.
gnomAD v4.1: 14 of 1,614,216 alleles (0.00087%); highest among the groups gnomAD compares: East Asian, 0.027%; no homozygotes.

Submission:

Labcorp Genetics (formerly Invitae), Labcorp
Classification: Uncertain significance. Last evaluated: 2022-03-19. Review status: criteria provided, single submitter. Criteria: Invitae Variant Classification Sherloc (09022015). Collection method: clinical testing. Allele origin: germline.
Comment: This variant is present in population databases (rs189587013, gnomAD 0.1%). This variant has not been reported in the literature in individuals affected with AIMP2-related conditions. Algorithms developed to predict the effect of missense changes on protein structure and function are either unavailable or do not agree on the potential impact of this missense change (SIFT: "Deleterious"; PolyPhen-2: "Probably Damaging"; Align-GVGD: "Class C0"). In summary, the available evidence is currently insufficient to determine the role of this variant in disease. Therefore, it has been classified as a Variant of Uncertain Significance. This sequence change replaces glutamine, which is neutral and polar, with histidine, which is basic and polar, at codon 287 of the AIMP2 protein (p.Gln287His).